The following is an entry in ClinVar:

NM_001347721.2(DYRK1A):c.407A>G (p.Tyr136Cys)

Gene: DYRK1A (dual specificity tyrosine phosphorylation regulated kinase 1A; plus strand). Cytogenetic location: 21q22.13.
Variant type: single nucleotide variant.
Coding change: c.407A>G on transcript NM_001347721.2 (MANE Select); coding-DNA position 407, A replaced by G.
Protein change: p.Tyr136Cys; replaces tyrosine 136 with cysteine.
Molecular consequence: missense variant.
Genome position (GRCh38, 1-based): chr21:37,480,744, A>G. VCF-style: chr21-37480744-A-G. GRCh37 (hg19) VCF-style: chr21-38853046-A-G.
Other names: c.407A>G, p.Tyr136Cys (NM_001347722.2, NM_130436.2); c.320A>G, p.Tyr107Cys (NM_001347723.2); c.434A>G, p.Tyr145Cys (NM_001396.5, NM_101395.2, NM_130438.2); short protein forms Y107C, Y136C, Y145C.
Identifiers: ClinVar variation 971001 (VCV000971001.10), dbSNP rs1569363929, ClinGen allele CA409944372.

ClinVar aggregate classification (germline): Uncertain significance (1 of 4 stars; one submission).

Conditions:
DYRK1A-related intellectual disability syndrome (MRD7). Also called: DYRK1A Syndrome; Intellectual developmental disorder, autosomal dominant 7. Identifiers: Orphanet 464306, MedGen C5568143, MONDO:0013578, OMIM 614104.

Allele frequency attached by ClinVar (database versions not stated): gnomAD exomes below 0.00001; gnomAD 0.00001.
gnomAD v4.1: 3 of 1,612,982 alleles (0.00019%); highest among the groups gnomAD compares: African/African-American, 0.0027%; no homozygotes.

Submission:

Labcorp Genetics (formerly Invitae), Labcorp
Classification: Uncertain significance for DYRK1A-related intellectual disability syndrome. Last evaluated: 2024-12-17. Review status: criteria provided, single submitter. Criteria: Invitae Variant Classification Sherloc (09022015). Collection method: clinical testing. Allele origin: germline.
Comment: This sequence change replaces tyrosine, which is neutral and polar, with cysteine, which is neutral and slightly polar, at codon 145 of the DYRK1A protein (p.Tyr145Cys). This variant is not present in population databases (gnomAD no frequency). This variant has not been reported in the literature in individuals affected with DYRK1A-related conditions. ClinVar contains an entry for this variant (Variation ID: 971001). Invitae Evidence Modeling of protein sequence and biophysical properties (such as structural, functional, and spatial information, amino acid conservation, physicochemical variation, residue mobility, and thermodynamic stability) indicates that this missense variant is not expected to disrupt DYRK1A protein function with a negative predictive value of 80%. In summary, the available evidence is currently insufficient to determine the role of this variant in disease. Therefore, it has been classified as a Variant of Uncertain Significance.